The following is an entry in ClinVar:

ClinVar aggregate classification (germline): Conflicting classifications of pathogenicity. Review status: criteria provided, conflicting classifications (1 of 4 stars). 3 submissions from 3 submitters: Uncertain significance (2); Likely benign (1). Last evaluated 2025-07-29.

Conditions:
TBCK-related disorder. Also called: TBCK-related condition; TBCK-related disorders.
Inborn genetic diseases. Identifiers: MedGen C0950123, MeSH D030342.

Allele frequency attached by ClinVar (database versions not stated): gnomAD exomes 0.00005 and 0.00010; ExAC 0.00014; ESP Exome Variant Server 0.00044; TOPMed 0.00052; gnomAD 0.00054 and 0.00059.
gnomAD v4.1: 160 of 1,546,382 alleles (0.01%); highest among the groups gnomAD compares: African/African-American, 0.19%; no homozygotes.

Submissions (3):

PreventionGenetics, part of Exact Sciences
Classification: Likely benign for TBCK-related condition. Last evaluated: 2025-07-29. Review status: criteria provided, single submitter. Criteria: ACMG Guidelines, 2015. Collection method: clinical testing. Allele origin: germline.
Comment: This variant is classified as likely benign based on ACMG/AMP sequence variant interpretation guidelines (Richards et al. 2015 PMID: 25741868, with internal and published modifications).

Labcorp Genetics (formerly Invitae), Labcorp
Classification: Uncertain significance. Last evaluated: 2022-08-13. Review status: criteria provided, single submitter. Criteria: Invitae Variant Classification Sherloc (09022015). Collection method: clinical testing. Allele origin: germline.
Comment: This sequence change replaces alanine, which is neutral and non-polar, with valine, which is neutral and non-polar, at codon 97 of the TBCK protein (p.Ala97Val). This variant is present in population databases (rs368864374, gnomAD 0.2%). This variant has not been reported in the literature in individuals affected with TBCK-related conditions. ClinVar contains an entry for this variant (Variation ID: 1488156). Algorithms developed to predict the effect of missense changes on protein structure and function (SIFT, PolyPhen-2, Align-GVGD) all suggest that this variant is likely to be tolerated. In summary, the available evidence is currently insufficient to determine the role of this variant in disease. Therefore, it has been classified as a Variant of Uncertain Significance.

Ambry Genetics
Classification: Uncertain significance for Inborn genetic diseases. Last evaluated: 2021-06-24. Review status: criteria provided, single submitter. Criteria: Ambry Variant Classification Scheme 2023. Collection method: clinical testing. Allele origin: germline.

NM_001163435.3(TBCK):c.290C>T (p.Ala97Val)

Gene: TBCK (TBC1 domain containing kinase; minus strand). Cytogenetic location: 4q24.
Variant type: single nucleotide variant.
Coding change: c.290C>T on transcript NM_001163435.3 (MANE Select); coding-DNA position 290, C replaced by T.
Protein change: p.Ala97Val; replaces alanine 97 with valine.
Molecular consequence: missense variant. On other transcripts: 5 prime UTR variant (1), intron variant (1).
Genome position (GRCh38, 1-based): chr4:106,262,189, G>A on the plus strand (C>T on the coding strand, the complement: TBCK is on the minus strand). VCF-style: chr4-106262189-G-A. GRCh37 (hg19) VCF-style: chr4-107183346-G-A.
Other names: c.290C>T, p.Ala97Val (NM_001163436.4, NM_001163437.3); c.-328C>T (NM_001290768.2); c.267-10182C>T (NM_033115.5); c.290C>T (NM_001163435.1, NM_001163435.2); short protein forms A97V.
Identifiers: ClinVar variation 1488156 (VCV001488156.7), dbSNP rs368864374, ClinGen allele CA3035470.